The following is an entry in ClinVar:

NM_000395.3(CSF2RB):c.1588G>C (p.Gly530Arg)

Gene: CSF2RB (colony stimulating factor 2 receptor subunit beta; plus strand). Cytogenetic location: 22q12.3.
Variant type: single nucleotide variant.
Coding change: c.1588G>C on transcript NM_000395.3 (MANE Select); coding-DNA position 1588, G replaced by C.
Protein change: p.Gly530Arg; replaces glycine 530 with arginine.
Molecular consequence: missense variant.
Genome position (GRCh38, 1-based): chr22:36,937,396, G>C. VCF-style: chr22-36937396-G-C. GRCh37 (hg19) VCF-style: chr22-37333438-G-C.
Other names: c.1606G>C, p.Gly536Arg (NM_001410827.1); short protein forms G536R, G530R.
Identifiers: ClinVar variation 4693344 (VCV004693344.1).
Genomic context (GRCh38, chr22:36,937,396, plus strand): 5'-CCAGGGTGGTCCCAACTCTTCTGCCCATTTTCTTCCCACAGGGTGTTCCCTGTAGGATTC[G>C]GGGACAGCGAGGTGTCACCTCTCACCATAGAGGACCCCAAGCATGTCTGTGATCCACCAT-3'
Protein context (NP_000386.1, residues 520-540): ELEGVFPVGF[Gly530Arg]DSEVSPLTIE

ClinVar aggregate classification (germline): Uncertain significance (1 of 4 stars; one submission).

Submission:

Labcorp Genetics (formerly Invitae), Labcorp
Classification: Uncertain significance. Last evaluated: 2025-11-24. Review status: criteria provided, single submitter. Criteria: Invitae Variant Classification Sherloc (09022015). Collection method: clinical testing. Allele origin: germline.
Comment: This sequence change replaces glycine, which is neutral and non-polar, with arginine, which is basic and polar, at codon 530 of the CSF2RB protein (p.Gly530Arg). This variant is not present in population databases (gnomAD no frequency). This variant has not been reported in the literature in individuals affected with CSF2RB-related conditions. Invitae Evidence Modeling of protein sequence and biophysical properties (such as structural, functional, and spatial information, amino acid conservation, physicochemical variation, residue mobility, and thermodynamic stability) indicates that this missense variant is not expected to disrupt CSF2RB protein function with a negative predictive value of 80%. In summary, the available evidence is currently insufficient to determine the role of this variant in disease. Therefore, it has been classified as a Variant of Uncertain Significance.